The following is an entry in ClinVar:

NM_001348768.2(HECW2):c.533A>G (p.Asn178Ser)

Gene: HECW2 (HECT, C2 and WW domain containing E3 ubiquitin protein ligase 2; minus strand). Cytogenetic location: 2q32.3.
Variant type: single nucleotide variant.
Coding change: c.533A>G on transcript NM_001348768.2 (MANE Select); coding-DNA position 533, A replaced by G.
Protein change: p.Asn178Ser; replaces asparagine 178 with serine.
Molecular consequence: missense variant. On other transcripts: 5 prime UTR variant (1).
Genome position (GRCh38, 1-based): chr2:196,329,613, T>C on the plus strand (A>G on the coding strand, the complement: HECW2 is on the minus strand). VCF-style: chr2-196329613-T-C. GRCh37 (hg19) VCF-style: chr2-197194337-T-C.
Other names: c.-364A>G (NM_001304840.3); c.533A>G, p.Asn178Ser (NM_020760.4); short protein forms N178S.
Identifiers: ClinVar variation 767838 (VCV000767838.28), dbSNP rs114024560, ClinGen allele CA2038526.

ClinVar aggregate classification (germline): Benign. Review status: criteria provided, multiple submitters, no conflicts (2 of 4 stars). 4 submissions from 4 submitters: Benign (2). 2 of the submissions do not count toward it. Last evaluated 2022-08-01.

Conditions:
Intellectual disability. Also called: Intellectual functioning disability; Intellectual developmental disorder; intellectual disabilities. Identifiers: MedGen C3714756, MeSH D008607, MONDO:0001071, HP:0001249.
HECW2-related disorder. Also called: HECW2-related condition.

Allele frequency attached by ClinVar (database versions not stated): gnomAD exomes 0.00031 and 0.00088; ExAC 0.00101; 1000 Genomes Project 0.00200; 1000 Genomes Project 30x 0.00203; gnomAD 0.00330 and 0.00353; ESP Exome Variant Server 0.00338; TOPMed 0.00420.
gnomAD v4.1: 992 of 1,613,714 alleles (0.061%); highest among the groups gnomAD compares: African/African-American, 1.1%; 9 homozygotes.

Submissions (4):

CeGaT Center for Human Genetics Tuebingen
Classification: Benign. Last evaluated: 2022-08-01. Review status: criteria provided, single submitter. Criteria: CeGaT Center For Human Genetics Tuebingen Variant Classification Criteria Version 2. Collection method: clinical testing. Allele origin: germline. Affected: yes. Observed: 1 variant allele.
Comment: HECW2: BS1, BS2

Labcorp Genetics (formerly Invitae), Labcorp
Classification: Benign. Last evaluated: 2018-11-15. Review status: criteria provided, single submitter. Criteria: Invitae Variant Classification Sherloc (09022015). Collection method: clinical testing. Allele origin: germline.

PreventionGenetics, part of Exact Sciences
Classification: Benign for HECW2-related condition. Last evaluated: 2024-05-14. Review status: no assertion criteria provided. Collection method: clinical testing. Allele origin: germline. Not counted in ClinVar's aggregate classification.
Comment: This variant is classified as benign based on ACMG/AMP sequence variant interpretation guidelines (Richards et al. 2015 PMID: 25741868, with internal and published modifications).

Centre de Biologie Pathologie Génétique, Centre Hospitalier Universitaire de Lille
Classification: Likely benign for Intellectual disability. Last evaluated: 2019-01-01. Review status: no assertion criteria provided. Collection method: clinical testing. Allele origin: inherited. Affected: yes. Not counted in ClinVar's aggregate classification.